The following is an entry in ClinVar:

NM_018975.4(TERF2IP):c.386G>A (p.Arg129Gln)

Gene: TERF2IP (TERF2 interacting protein; plus strand). Cytogenetic location: 16q23.1.
Variant type: single nucleotide variant.
Coding change: c.386G>A on transcript NM_018975.4 (MANE Select); coding-DNA position 386, G replaced by A.
Protein change: p.Arg129Gln; replaces arginine 129 with glutamine.
Molecular consequence: missense variant. On other transcripts: non-coding transcript variant (1).
Genome position (GRCh38, 1-based): chr16:75,648,268, G>A. VCF-style: chr16-75648268-G-A. GRCh37 (hg19) VCF-style: chr16-75682166-G-A.
Other names: short protein forms R129Q.
Identifiers: ClinVar variation 3671702 (VCV003671702.2).

ClinVar aggregate classification (germline): Uncertain significance (1 of 4 stars; one submission).

Submission:

Labcorp Genetics (formerly Invitae), Labcorp
Classification: Uncertain significance. Last evaluated: 2024-11-15. Review status: criteria provided, single submitter. Criteria: Invitae Variant Classification Sherloc (09022015). Collection method: clinical testing. Allele origin: germline.
Comment: This sequence change replaces arginine, which is basic and polar, with glutamine, which is neutral and polar, at codon 129 of the TERF2IP protein (p.Arg129Gln). This variant is not present in population databases (gnomAD no frequency). This variant has not been reported in the literature in individuals affected with TERF2IP-related conditions. An algorithm developed to predict the effect of missense changes on protein structure and function (PolyPhen-2) suggests that this variant is likely to be tolerated. In summary, the available evidence is currently insufficient to determine the role of this variant in disease. Therefore, it has been classified as a Variant of Uncertain Significance.